The following is an entry in ClinVar:

NM_015466.4(PTPN23):c.1339G>C (p.Gly447Arg)

Gene: PTPN23 (protein tyrosine phosphatase non-receptor type 23; plus strand). Cytogenetic location: 3p21.31.
Variant type: single nucleotide variant.
Coding change: c.1339G>C on transcript NM_015466.4 (MANE Select); coding-DNA position 1339, G replaced by C.
Protein change: p.Gly447Arg; replaces glycine 447 with arginine.
Molecular consequence: missense variant.
Genome position (GRCh38, 1-based): chr3:47,408,784, G>C. VCF-style: chr3-47408784-G-C. GRCh37 (hg19) VCF-style: chr3-47450274-G-C.
Other names: c.1339G>C (NM_015466.2); c.961G>C, p.Gly321Arg (NM_001304482.2); short protein forms G447R, G321R.
Identifiers: ClinVar variation 1525070 (VCV001525070.5), dbSNP rs574942759, ClinGen allele CA2365725.

ClinVar aggregate classification (germline): Uncertain significance. Review status: criteria provided, multiple submitters, no conflicts (2 of 4 stars). 3 submissions from 3 submitters: Uncertain significance (3). Last evaluated 2025-08-14.

Conditions:
Inborn genetic diseases. Identifiers: MedGen C0950123, MeSH D030342.

Allele frequency attached by ClinVar (database versions not stated): gnomAD 0.00018 and 0.00019; 1000 Genomes Project 30x 0.00047; ExAC 0.00002; TOPMed 0.00049; gnomAD exomes below 0.00001; 1000 Genomes Project 0.00060.
gnomAD v4.1: 43 of 1,592,430 alleles (0.0027%); highest among the groups gnomAD compares: Admixed American, 0.056%; no homozygotes.

Submissions (3):

Ambry Genetics
Classification: Uncertain significance for Inborn genetic diseases. Last evaluated: 2025-08-14. Review status: criteria provided, single submitter. Criteria: Ambry Variant Classification Scheme 2023. Collection method: clinical testing. Allele origin: germline.

GeneDx
Classification: Uncertain significance. Last evaluated: 2024-04-09. Review status: criteria provided, single submitter. Criteria: GeneDx Variant Classification Process June 2021. Collection method: clinical testing. Allele origin: germline.
Comment: In silico analysis supports that this missense variant does not alter protein structure/function; Has not been previously published as pathogenic or benign to our knowledge; In silico analysis is inconclusive as to whether the variant alters gene splicing. In the absence of RNA/functional studies, the actual effect of this sequence change is unknown.

Labcorp Genetics (formerly Invitae), Labcorp
Classification: Uncertain significance. Last evaluated: 2022-09-07. Review status: criteria provided, single submitter. Criteria: Invitae Variant Classification Sherloc (09022015). Collection method: clinical testing. Allele origin: germline.
Comment: This sequence change replaces glycine, which is neutral and non-polar, with arginine, which is basic and polar, at codon 447 of the PTPN23 protein (p.Gly447Arg). This variant is present in population databases (rs574942759, gnomAD 0.009%). This variant has not been reported in the literature in individuals affected with PTPN23-related conditions. ClinVar contains an entry for this variant (Variation ID: 1525070). Algorithms developed to predict the effect of missense changes on protein structure and function are either unavailable or do not agree on the potential impact of this missense change (SIFT: "Tolerated"; PolyPhen-2: "Not Available"; Align-GVGD: "Class C0"). Algorithms developed to predict the effect of sequence changes on RNA splicing suggest that this variant may disrupt the consensus splice site. In summary, the available evidence is currently insufficient to determine the role of this variant in disease. Therefore, it has been classified as a Variant of Uncertain Significance.